The following is an entry in ClinVar:

ClinVar aggregate classification (germline): Uncertain significance (1 of 4 stars; one submission).

gnomAD v4.1: 3 of 1,613,978 alleles (0.00019%); highest among the groups gnomAD compares: Non-Finnish European, 0.00025%; no homozygotes.

Submission:

GeneDx
Classification: Uncertain significance. Last evaluated: 2025-10-22. Review status: criteria provided, single submitter. Criteria: GeneDx Variant Classification Process June 2021. Collection method: clinical testing. Allele origin: germline.
Comment: Not observed at significant frequency in large population cohorts (gnomAD); In silico analysis supports that this missense variant has a deleterious effect on protein structure/function; Has not been previously published as pathogenic or benign to our knowledge

NM_005045.4(RELN):c.5332T>G (p.Cys1778Gly)

Gene: RELN (reelin; minus strand). Cytogenetic location: 7q22.1.
Variant type: single nucleotide variant.
Coding change: c.5332T>G on transcript NM_005045.4 (MANE Select); coding-DNA position 5332, T replaced by G.
Protein change: p.Cys1778Gly; replaces cysteine 1778 with glycine.
Molecular consequence: missense variant.
Genome position (GRCh38, 1-based): chr7:103,561,832, A>C on the plus strand (T>G on the coding strand, the complement: RELN is on the minus strand). VCF-style: chr7-103561832-A-C. GRCh37 (hg19) VCF-style: chr7-103202279-A-C.
Other names: c.5332T>G, p.Cys1778Gly (NM_173054.3); short protein forms C1778G.
Identifiers: ClinVar variation 3362153 (VCV003362153.2).